The following is an entry in ClinVar:

ClinVar aggregate classification (germline): Uncertain significance. Review status: criteria provided, multiple submitters, no conflicts (2 of 4 stars). 2 submissions from 2 submitters: Uncertain significance (2). Last evaluated 2024-05-16.

Allele frequency attached by ClinVar (database versions not stated): gnomAD 0.00001; ExAC 0.00002; TOPMed 0.00002; gnomAD exomes 0.00004; ESP Exome Variant Server 0.00008.
gnomAD v4.1: 66 of 1,614,002 alleles (0.0041%); highest among the groups gnomAD compares: Non-Finnish European, 0.0054%; no homozygotes.

Submissions (2):

Labcorp Genetics (formerly Invitae), Labcorp
Classification: Uncertain significance. Last evaluated: 2024-05-16. Review status: criteria provided, single submitter. Criteria: Invitae Variant Classification Sherloc (09022015). Collection method: clinical testing. Allele origin: germline.
Comment: This sequence change replaces phenylalanine, which is neutral and non-polar, with serine, which is neutral and polar, at codon 3060 of the RNF213 protein (p.Phe3060Ser). The frequency data for this variant in the population databases is considered unreliable, as metrics indicate poor data quality at this position in the gnomAD database. This variant has not been reported in the literature in individuals affected with RNF213-related conditions. ClinVar contains an entry for this variant (Variation ID: 1986464). An algorithm developed to predict the effect of missense changes on protein structure and function (PolyPhen-2) suggests that this variant is likely to be disruptive. In summary, the available evidence is currently insufficient to determine the role of this variant in disease. Therefore, it has been classified as a Variant of Uncertain Significance.

Women's Health and Genetics/Laboratory Corporation of America, LabCorp
Classification: Uncertain significance. Last evaluated: 2024-03-20. Review status: criteria provided, single submitter. Criteria: LabCorp Variant Classification Summary - May 2015. Collection method: clinical testing. Allele origin: germline.
Comment: Variant summary: RNF213 c.9179T>C (p.Phe3060Ser) results in a non-conservative amino acid change in the encoded protein sequence. Two of four in-silico tools predict a benign effect of the variant on protein function. The variant allele was found at a frequency of 1.2e-05 in 251092 control chromosomes. The available data on variant occurrences in the general population are insufficient to allow any conclusion about variant significance. To our knowledge, no occurrence of c.9179T>C in individuals affected with Moyamoya Disease 2 and no experimental evidence demonstrating its impact on protein function have been reported. ClinVar contains an entry for this variant (Variation ID: 1986464). Based on the evidence outlined above, the variant was classified as uncertain significance.

NM_001256071.3(RNF213):c.9179T>C (p.Phe3060Ser)

Gene: RNF213 (ring finger protein 213; plus strand). Cytogenetic location: 17q25.3.
Variant type: single nucleotide variant.
Coding change: c.9179T>C on transcript NM_001256071.3 (MANE Select); coding-DNA position 9179, T replaced by C.
Protein change: p.Phe3060Ser; replaces phenylalanine 3060 with serine.
Molecular consequence: missense variant.
Genome position (GRCh38, 1-based): chr17:80,347,514, T>C. VCF-style: chr17-80347514-T-C. GRCh37 (hg19) VCF-style: chr17-78321314-T-C.
Other names: c.9326T>C, p.Phe3109Ser (NM_001410195.1, NM_020914.5); short protein forms F3109S, F3060S.
Identifiers: ClinVar variation 1986464 (VCV001986464.6), dbSNP rs373764161, ClinGen allele CA8821080.